The following is an entry in ClinVar:

ClinVar aggregate classification (germline): Uncertain significance (1 of 4 stars; one submission).

Submission:

Women's Health and Genetics/Laboratory Corporation of America, LabCorp
Classification: Uncertain significance. Last evaluated: 2024-10-11. Review status: criteria provided, single submitter. Criteria: LabCorp Variant Classification Summary - May 2015. Collection method: clinical testing. Allele origin: germline.
Comment: Variant summary: GCDH c.382C>G (p.Arg128Gly) results in a non-conservative amino acid change located in the Acyl-CoA dehydrogenase/oxidase, N-terminal domain (IPR013786) of the encoded protein sequence. Five of five in-silico tools predict a damaging effect of the variant on protein function. The variant was absent in 251442 control chromosomes (gnomAD). The available data on variant occurrences in the general population are insufficient to allow any conclusion about variant significance. c.382C>G has been reported in the literature in at least an individual affected with Glutaric Acidemia Type 1 (example: Goodman_1998). This report however, does not provide unequivocal conclusions about association of the variant with Glutaric Acidemia Type 1. A different variant affecting the same codon has been classified as pathogenic by our lab (c.383G>A, p.Arg128Gln), supporting the critical relevance of codon 128 to GCDH protein function. To our knowledge, no experimental evidence demonstrating an impact on protein function has been reported. The following publication have been ascertained in the context of this evaluation (PMID: 9711871). No submitters have cited clinical-significance assessments for this variant to ClinVar. Based on the evidence outlined above, the variant was classified as uncertain significance.

Literature cited by the submitters: PubMed 9711871.

NM_000159.4(GCDH):c.382C>G (p.Arg128Gly)

Gene: GCDH (glutaryl-CoA dehydrogenase; plus strand). Cytogenetic location: 19p13.13.
Variant type: single nucleotide variant.
Coding change: c.382C>G on transcript NM_000159.4 (MANE Select); coding-DNA position 382, C replaced by G.
Protein change: p.Arg128Gly; replaces arginine 128 with glycine.
Molecular consequence: missense variant. On other transcripts: non-coding transcript variant (2).
Genome position (GRCh38, 1-based): chr19:12,893,530, C>G. VCF-style: chr19-12893530-C-G. GRCh37 (hg19) VCF-style: chr19-13004344-C-G.
Other names: c.382C>G, p.Arg128Gly (NM_013976.5); short protein forms R128G.
Identifiers: ClinVar variation 3384734 (VCV003384734.1).